The following is an entry in ClinVar:

NM_001161352.2(KCNMA1):c.3459G>C (p.Lys1153Asn)

Genes: KCNMA1-AS1 (KCNMA1 antisense RNA 1; plus strand), KCNMA1 (potassium calcium-activated channel subfamily M alpha 1; minus strand). Cytogenetic location: 10q22.3.
Variant type: single nucleotide variant.
Coding change: c.3459G>C on transcript NM_001161352.2 (MANE Select); coding-DNA position 3459, G replaced by C.
Protein change: p.Lys1153Asn; replaces lysine 1153 with asparagine.
Molecular consequence: missense variant.
Genome position (GRCh38, 1-based): chr10:76,889,453, C>G on the plus strand (G>C on the coding strand, the complement: KCNMA1 is on the minus strand). VCF-style: chr10-76889453-C-G. GRCh37 (hg19) VCF-style: chr10-78649211-C-G.
Other names: c.3297G>C, p.Lys1099Asn (NM_001014797.3); c.3408G>C, p.Lys1136Asn (NM_001161353.2); c.3135G>C, p.Lys1045Asn (NM_001271518.2); c.3375G>C, p.Lys1125Asn (NM_001271519.2); c.3294G>C, p.Lys1098Asn (NM_001322829.2, NM_001322836.2); c.3387G>C, p.Lys1129Asn (NM_001322830.2); c.3285G>C, p.Lys1095Asn (NM_001322832.2, NM_001410940.1, NM_002247.4); c.3378G>C, p.Lys1126Asn (NM_001322835.2, NM_001322837.2); and 3 more; short protein forms K1045N, K1136N, K944N, K1098N, K1126N, K1139N, K1153N, K1095N.
Identifiers: ClinVar variation 4730618 (VCV004730618.1).

ClinVar aggregate classification (germline): Uncertain significance (1 of 4 stars; one submission).

Conditions:
Generalized epilepsy-paroxysmal dyskinesia syndrome (PNKD3). Also called: Generalized epilepsy and paroxysmal dyskinesia; Paroxysmal nonkinesigenic dyskinesia, 3, with or without generalized epilepsy. Identifiers: Orphanet 79137, MedGen C5574945, MONDO:0012276, OMIM 609446.

Submission:

Labcorp Genetics (formerly Invitae), Labcorp
Classification: Uncertain significance for Generalized epilepsy-paroxysmal dyskinesia syndrome. Last evaluated: 2025-11-07. Review status: criteria provided, single submitter. Criteria: Invitae Variant Classification Sherloc (09022015). Collection method: clinical testing. Allele origin: germline.
Comment: This sequence change replaces lysine, which is basic and polar, with asparagine, which is neutral and polar, at codon 1095 of the KCNMA1 protein (p.Lys1095Asn). This variant is not present in population databases (gnomAD no frequency). This variant has not been reported in the literature in individuals affected with KCNMA1-related conditions. An algorithm developed to predict the effect of missense changes on protein structure and function (PolyPhen-2) suggests that this variant is likely to be disruptive. In summary, the available evidence is currently insufficient to determine the role of this variant in disease. Therefore, it has been classified as a Variant of Uncertain Significance.